The following is an entry in ClinVar:

NM_000038.6(APC):c.3710A>T (p.Gln1237Leu)

Gene: APC (APC regulator of Wnt signaling pathway; plus strand). Cytogenetic location: 5q22.2.
Variant type: single nucleotide variant.
Coding change: c.3710A>T on transcript NM_000038.6 (MANE Select); coding-DNA position 3710, A replaced by T.
Protein change: p.Gln1237Leu; replaces glutamine 1237 with leucine.
Molecular consequence: missense variant.
Genome position (GRCh38, 1-based): chr5:112,839,304, A>T. VCF-style: chr5-112839304-A-T. GRCh37 (hg19) VCF-style: chr5-112175001-A-T.
Other names: c.3710A>T, p.Gln1237Leu (NM_001127510.3, NM_001354895.2); c.3656A>T, p.Gln1219Leu (NM_001127511.3); c.3764A>T, p.Gln1255Leu (NM_001354896.2); c.3740A>T, p.Gln1247Leu (NM_001354897.2); c.3635A>T, p.Gln1212Leu (NM_001354898.2); c.3626A>T, p.Gln1209Leu (NM_001354899.2); c.3587A>T, p.Gln1196Leu (NM_001354900.2); c.3533A>T, p.Gln1178Leu (NM_001354901.2); and 5 more; short protein forms Q1212L, Q1237L, Q1255L, Q1077L, Q1178L, Q1111L, Q1136L, Q1196L.
Identifiers: ClinVar variation 824109 (VCV000824109.5), dbSNP rs1554085251, ClinGen allele CA16029474.

ClinVar aggregate classification (germline): Uncertain significance. Review status: criteria provided, multiple submitters, no conflicts (2 of 4 stars). 2 submissions from 2 submitters: Uncertain significance (2). Last evaluated 2024-07-01.

Conditions:
Hereditary cancer-predisposing syndrome. Also called: Neoplastic Syndromes, Hereditary; Tumor predisposition; Hereditary neoplastic syndrome; Hereditary Cancer Syndrome. Identifiers: Orphanet 140162, MedGen C0027672, MeSH D009386, MONDO:0015356.

Submissions (2):

Color Diagnostics, LLC DBA Color Health
Classification: Uncertain significance for Hereditary cancer-predisposing syndrome. Last evaluated: 2024-07-01. Review status: criteria provided, single submitter. Criteria: ACMG Guidelines, 2015. Collection method: clinical testing. Allele origin: germline.
Comment: This missense variant replaces glutamine with leucine at codon 1237 of the APC protein. Computational prediction suggests that this variant may not impact protein structure and function (internally defined REVEL score threshold <= 0.5, PMID: 27666373). To our knowledge, functional studies have not been reported for this variant. This variant has not been reported in individuals affected with APC-related disorders in the literature. This variant has not been identified in the general population by the Genome Aggregation Database (gnomAD). The available evidence is insufficient to determine the role of this variant in disease conclusively. Therefore, this variant is classified as a Variant of Uncertain Significance.

Ambry Genetics
Classification: Uncertain significance for Hereditary cancer-predisposing syndrome. Last evaluated: 2019-08-22. Review status: criteria provided, single submitter. Criteria: Ambry Variant Classification Scheme 2023. Collection method: clinical testing. Allele origin: germline.
Comment: The p.Q1237L variant (also known as c.3710A>T), located in coding exon 15 of the APC gene, results from an A to T substitution at nucleotide position 3710. The glutamine at codon 1237 is replaced by leucine, an amino acid with dissimilar properties. This amino acid position is well conserved in available vertebrate species. In addition, in silico predictors for this gene do not accurately predict pathogenicity. Since supporting evidence is limited at this time, the clinical significance of this alteration remains unclear.